The following is an entry in ClinVar:

NM_022114.4(PRDM16):c.1187-143C>T

Gene: PRDM16 (PR/SET domain 16; plus strand). Cytogenetic location: 1p36.32.
Variant type: single nucleotide variant.
Coding change: c.1187-143C>T on transcript NM_022114.4 (MANE Select); 143 bases into the intron before coding-DNA position 1187, C replaced by T.
Molecular consequence: intron variant.
Genome position (GRCh38, 1-based): chr1:3,411,241, C>T. VCF-style: chr1-3411241-C-T. GRCh37 (hg19) VCF-style: chr1-3327805-C-T.
Other names: c.1187-143C>T (NM_199454.3).
Identifiers: ClinVar variation 679067 (VCV000679067.2), dbSNP rs57382922, ClinGen allele CA10870047.

ClinVar aggregate classification (germline): Benign. Review status: criteria provided, multiple submitters, no conflicts (2 of 4 stars). 2 submissions from 2 submitters: Benign (2). Last evaluated 2018-06-19.

Allele frequency attached by ClinVar (database versions not stated): 1000 Genomes Project 0.03514; 1000 Genomes Project 30x 0.03607; TOPMed 0.04002; gnomAD 0.04151 and 0.04359.
gnomAD v4.1: 20,513 of 748,134 alleles (2.7%); highest among the groups gnomAD compares: African/African-American, 8.2%; 464 homozygotes.

Submissions (2):

GeneDx
Classification: Benign. Last evaluated: 2018-06-19. Review status: criteria provided, single submitter. Criteria: GeneDx Variant Classification (06012015). Collection method: clinical testing. Allele origin: germline. Affected: yes.
Comment: This variant is considered likely benign or benign based on one or more of the following criteria: it is a conservative change, it occurs at a poorly conserved position in the protein, it is predicted to be benign by multiple in silico algorithms, and/or has population frequency not consistent with disease.

Breakthrough Genomics
Classification: Benign. Review status: criteria provided, single submitter. Criteria: ACMG Guidelines, 2015. Collection method: not provided. Allele origin: germline. Inheritance: Autosomal dominant inheritance. Affected: yes.